The following is an entry in ClinVar:

ClinVar aggregate classification (germline): Pathogenic (1 of 4 stars; one submission).

Submission:

Labcorp Genetics (formerly Invitae), Labcorp
Classification: Pathogenic. Last evaluated: 2022-03-26. Review status: criteria provided, single submitter. Criteria: Invitae Variant Classification Sherloc (09022015). Collection method: clinical testing. Allele origin: germline.
Comment: For these reasons, this variant has been classified as Pathogenic. This variant has not been reported in the literature in individuals affected with ABCG8-related conditions. This variant is not present in population databases (gnomAD no frequency). This sequence change creates a premature translational stop signal (p.Trp229*) in the ABCG8 gene. It is expected to result in an absent or disrupted protein product. Loss-of-function variants in ABCG8 are known to be pathogenic (PMID: 11452359, 15375183, 16029460).

Literature cited by the submitters: PubMed 11452359; PubMed 15375183; PubMed 16029460.

NM_022437.3(ABCG8):c.687G>A (p.Trp229Ter)

Gene: ABCG8 (ATP binding cassette subfamily G member 8; plus strand). Cytogenetic location: 2p21.
Variant type: single nucleotide variant.
Coding change: c.687G>A on transcript NM_022437.3 (MANE Select); coding-DNA position 687, G replaced by A.
Protein change: p.Trp229Ter; replaces tryptophan 229 with a stop codon.
Molecular consequence: nonsense.
Genome position (GRCh38, 1-based): chr2:43,852,479, G>A. VCF-style: chr2-43852479-G-A. GRCh37 (hg19) VCF-style: chr2-44079618-G-A.
Other names: c.687G>A, p.Trp229Ter (NM_001357321.2); short protein forms W229*.
Identifiers: ClinVar variation 2117818 (VCV002117818.4), dbSNP rs141909291, ClinGen allele CA46441382.